The following is an entry in ClinVar:

ClinVar aggregate classification (germline): Uncertain significance (1 of 4 stars; one submission).

Conditions:
Myofibrillar myopathy 5. Also called: FILAMINOPATHY, AUTOSOMAL DOMINANT; Filaminopathy (type). Identifiers: Orphanet 171445, MedGen C1836050, MONDO:0012289, OMIM 609524.
Hypertrophic cardiomyopathy 26. Also called: Cardiomyopathy, familial hypertrophic, 26. Identifiers: Orphanet 75249, MedGen C4310749, MONDO:0014883, OMIM 617047.
Distal myopathy with posterior leg and anterior hand involvement. Also called: WILLIAMS DISTAL MYOPATHY. Identifiers: Orphanet 63273, MedGen C3279722, MONDO:0013550, OMIM 614065.

Submission:

Labcorp Genetics (formerly Invitae), Labcorp
Classification: Uncertain significance for Distal myopathy with posterior leg and anterior hand involvement; Myofibrillar myopathy 5; Hypertrophic cardiomyopathy 26. Last evaluated: 2023-12-12. Review status: criteria provided, single submitter. Criteria: Invitae Variant Classification Sherloc (09022015). Collection method: clinical testing. Allele origin: germline.
Comment: This sequence change affects codon 2021 of the FLNC mRNA. It is a 'silent' change, meaning that it does not change the encoded amino acid sequence of the FLNC protein. This variant is not present in population databases (gnomAD no frequency). This variant has not been reported in the literature in individuals affected with FLNC-related conditions. Algorithms developed to predict the effect of sequence changes on RNA splicing suggest that this variant may create or strengthen a splice site. In summary, the available evidence is currently insufficient to determine the role of this variant in disease. Therefore, it has been classified as a Variant of Uncertain Significance.

NM_001458.5(FLNC):c.6063C>T (p.Gly2021=)

Genes: FLNC-AS1 (FLNC antisense RNA 1; minus strand), FLNC (filamin C; plus strand). Cytogenetic location: 7q32.1.
Variant type: single nucleotide variant.
Coding change: c.6063C>T on transcript NM_001458.5 (MANE Select); coding-DNA position 6063, C replaced by T.
Protein change: p.Gly2021=; no amino-acid change (glycine 2021 retained).
Molecular consequence: synonymous variant.
Genome position (GRCh38, 1-based): chr7:128,852,886, C>T. VCF-style: chr7-128852886-C-T. GRCh37 (hg19) VCF-style: chr7-128492940-C-T.
Other names: c.5964C>T, p.Gly1988= (NM_001127487.2).
Identifiers: ClinVar variation 2921356 (VCV002921356.3), dbSNP rs751601686, ClinGen allele CA457849482.